The following is an entry in ClinVar:

NM_004260.4(RECQL4):c.1704+4G>A

Gene: RECQL4 (RecQ like helicase 4; minus strand). Cytogenetic location: 8q24.3.
Variant type: single nucleotide variant.
Coding change: c.1704+4G>A on transcript NM_004260.4 (MANE Select); 4 bases into the intron after coding-DNA position 1704, G replaced by A.
Molecular consequence: intron variant.
Genome position (GRCh38, 1-based): chr8:144,514,438, C>T on the plus strand (G>A on the coding strand, the complement: RECQL4 is on the minus strand). VCF-style: chr8-144514438-C-T. GRCh37 (hg19) VCF-style: chr8-145739822-C-T.
Other names: c.1575+4G>A (NM_001413025.1); c.1353+4G>A (NM_001413029.1); c.567+4G>A (NM_001413032.1, NM_001413027.1, NM_001413031.1 and 2 more transcripts); c.633+4G>A (NM_001413035.1, NM_001413040.1, NM_001413021.1 and 7 more transcripts); c.1608+4G>A (NM_001413017.1, NM_001413020.1); c.1674+4G>A (NM_001413039.1); c.1704+4G>A (NM_001413033.1, NM_001413018.1, NM_001413036.1 and 1 more transcripts); c.237+4G>A (NM_001413043.1); and 1 more.
Identifiers: ClinVar variation 2905942 (VCV002905942.3), dbSNP rs2538043575, ClinGen allele CA2689135826.
Genomic context (GRCh38, chr8:144,514,438, plus strand): 5'-TCAGAGGCACAGCCCAGGTGCCCGCCCGCTGCCTCCCTCACCCCTAGGCCCATGAGGCCC[C>T]CACCTTCTGCAGGACAGATTCCCGTTGCTTCCTGGTCATGCCCGAGTGTATGCAGGCCGC-3'

ClinVar aggregate classification (germline): Uncertain significance (1 of 4 stars; one submission).

Conditions:
Baller-Gerold syndrome (BGS). Also called: CRANIOSYNOSTOSIS WITH RADIAL DEFECTS. Identifiers: Orphanet 1225, MedGen C0265308, MONDO:0009039, OMIM 218600.

Allele frequency attached by ClinVar (database versions not stated): gnomAD exomes below 0.00001.

Submission:

Labcorp Genetics (formerly Invitae), Labcorp
Classification: Uncertain significance for Baller-Gerold syndrome. Last evaluated: 2025-01-08. Review status: criteria provided, single submitter. Criteria: Invitae Variant Classification Sherloc (09022015). Collection method: clinical testing. Allele origin: germline.
Comment: This sequence change falls in intron 10 of the RECQL4 gene. It does not directly change the encoded amino acid sequence of the RECQL4 protein. It affects a nucleotide within the consensus splice site. This variant is not present in population databases (gnomAD no frequency). This variant has not been reported in the literature in individuals affected with RECQL4-related conditions. ClinVar contains an entry for this variant (Variation ID: 2905942). Variants that disrupt the consensus splice site are a relatively common cause of aberrant splicing (PMID: 17576681, 9536098). Algorithms developed to predict the effect of sequence changes on RNA splicing suggest that this variant is not likely to affect RNA splicing. In summary, the available evidence is currently insufficient to determine the role of this variant in disease. Therefore, it has been classified as a Variant of Uncertain Significance.

Literature cited by the submitters: PubMed 17576681; PubMed 9536098.